The following is an entry in ClinVar:

ClinVar aggregate classification (germline): Benign/Likely benign. Review status: criteria provided, multiple submitters, no conflicts (2 of 4 stars). 5 submissions from 5 submitters: Benign (1); Likely benign (3). 1 of the submissions does not count toward it. Last evaluated 2026-01-21.

Conditions:
CUBN-related disorder. Also called: CUBN-related condition.
Imerslund-Grasbeck syndrome. Also called: ENTEROCYTE COBALAMIN MALABSORPTION; ENTEROCYTE INTRINSIC FACTOR RECEPTOR, DEFECT OF; Megaloblastic anemia due to inborn errors of metabolism; PERNICIOUS ANEMIA, JUVENILE, DUE TO SELECTIVE INTESTINAL MALABSORPTION OF VITAMIN B12, WITH PROTEINURIA; Imerslund-Gräsbeck syndrome. Identifiers: Orphanet 35858, MedGen C4551825, MONDO:0009853.

Allele frequency attached by ClinVar (database versions not stated): TOPMed 0.00169; 1000 Genomes Project 30x 0.00375; 1000 Genomes Project 0.00459.
gnomAD v4.1: 1,192 of 1,614,056 alleles (0.074%); highest among the groups gnomAD compares: East Asian, 1.7%; 7 homozygotes.

Submissions (5):

Labcorp Genetics (formerly Invitae), Labcorp
Classification: Benign for Imerslund-Grasbeck syndrome. Last evaluated: 2026-01-21. Review status: criteria provided, single submitter. Criteria: Invitae Variant Classification Sherloc (09022015). Collection method: clinical testing. Allele origin: germline.

Blueprint Genetics
Classification: Likely benign. Last evaluated: 2024-11-25. Review status: criteria provided, single submitter. Criteria: ACMG Guidelines, 2015. Collection method: clinical testing. Allele origin: germline.

GeneDx
Classification: Likely benign. Last evaluated: 2020-04-06. Review status: criteria provided, single submitter. Criteria: GeneDx Variant Classification Process June 2021. Collection method: clinical testing. Allele origin: germline. Affected: yes.

Breakthrough Genomics
Classification: Likely benign. Review status: criteria provided, single submitter. Criteria: ACMG Guidelines, 2015. Collection method: not provided. Allele origin: germline. Inheritance: Autosomal recessive inheritance. Affected: yes.

PreventionGenetics, part of Exact Sciences
Classification: Benign for CUBN-related condition. Last evaluated: 2019-05-22. Review status: no assertion criteria provided. Collection method: clinical testing. Allele origin: germline. Not counted in ClinVar's aggregate classification.
Comment: This variant is classified as benign based on ACMG/AMP sequence variant interpretation guidelines (Richards et al. 2015 PMID: 25741868, with internal and published modifications).

NM_001081.4(CUBN):c.9207C>A (p.Thr3069=)

Gene: CUBN (cubilin; minus strand). Cytogenetic location: 10p13.
Variant type: single nucleotide variant.
Coding change: c.9207C>A on transcript NM_001081.4 (MANE Select); coding-DNA position 9207, C replaced by A.
Protein change: p.Thr3069=; no amino-acid change (threonine 3069 retained).
Molecular consequence: synonymous variant.
Genome position (GRCh38, 1-based): chr10:16,874,403, G>T on the plus strand (C>A on the coding strand, the complement: CUBN is on the minus strand). VCF-style: chr10-16874403-G-T. GRCh37 (hg19) VCF-style: chr10-16916402-G-T.
Identifiers: ClinVar variation 697026 (VCV000697026.15), dbSNP rs117936668, ClinGen allele CA5422787.